The following is an entry in ClinVar:

NM_031443.4(CCM2):c.1234C>T (p.Arg412Trp)

Gene: CCM2 (CCM2 scaffold protein; plus strand). Cytogenetic location: 7p13.
Variant type: single nucleotide variant.
Coding change: c.1234C>T on transcript NM_031443.4 (MANE Select); coding-DNA position 1234, C replaced by T.
Protein change: p.Arg412Trp; replaces arginine 412 with tryptophan.
Molecular consequence: missense variant. On other transcripts: non-coding transcript variant (1).
Genome position (GRCh38, 1-based): chr7:45,075,956, C>T. VCF-style: chr7-45075956-C-T. GRCh37 (hg19) VCF-style: chr7-45115555-C-T.
Other names: c.1297C>T, p.Arg433Trp (NM_001029835.2); c.1060C>T, p.Arg354Trp (NM_001167934.2); c.961C>T, p.Arg321Trp (NM_001167935.2); c.1357C>T, p.Arg453Trp (NM_001363458.2); c.1183C>T, p.Arg395Trp (NM_001363459.2); short protein forms R412W, R433W, R395W, R321W, R453W, R354W.
Identifiers: ClinVar variation 523540 (VCV000523540.4), dbSNP rs544276945, ClinGen allele CA4247292.

ClinVar aggregate classification (germline): Uncertain significance. Review status: criteria provided, multiple submitters, no conflicts (2 of 4 stars). 2 submissions from 2 submitters: Uncertain significance (2). Last evaluated 2024-11-11.

Conditions:
Cerebral cavernous malformation 2. Also called: Familial Cerebral Cavernous Malformation 2. Identifiers: Orphanet 221061, MedGen C1864041, MONDO:0011304, OMIM 603284.
Vasculitis. Identifiers: Orphanet 52759, MedGen C0042384, MONDO:0018882, HP:0002633.

Allele frequency attached by ClinVar (database versions not stated): ExAC 0.00003; gnomAD 0.00003; TOPMed 0.00003; gnomAD exomes 0.00004 and 0.00005; 1000 Genomes Project 30x 0.00016; 1000 Genomes Project 0.00020.
gnomAD v4.1: 71 of 1,613,136 alleles (0.0044%); highest among the groups gnomAD compares: Non-Finnish European, 0.0055%; no homozygotes.

Submissions (2):

Labcorp Genetics (formerly Invitae), Labcorp
Classification: Uncertain significance for Cerebral cavernous malformation 2. Last evaluated: 2024-11-11. Review status: criteria provided, single submitter. Criteria: Invitae Variant Classification Sherloc (09022015). Collection method: clinical testing. Allele origin: germline.
Comment: This sequence change replaces arginine, which is basic and polar, with tryptophan, which is neutral and slightly polar, at codon 412 of the CCM2 protein (p.Arg412Trp). This variant is present in population databases (rs544276945, gnomAD 0.008%). This variant has not been reported in the literature in individuals affected with CCM2-related conditions. ClinVar contains an entry for this variant (Variation ID: 523540). Invitae Evidence Modeling of protein sequence and biophysical properties (such as structural, functional, and spatial information, amino acid conservation, physicochemical variation, residue mobility, and thermodynamic stability) indicates that this missense variant is not expected to disrupt CCM2 protein function with a negative predictive value of 80%. In summary, the available evidence is currently insufficient to determine the role of this variant in disease. Therefore, it has been classified as a Variant of Uncertain Significance.

Centre for Mendelian Genomics, University Medical Centre Ljubljana
Classification: Uncertain significance for Vasculitis. Last evaluated: 2017-01-01. Review status: criteria provided, single submitter. Criteria: ACMG Guidelines, 2015. Collection method: clinical testing. Allele origin: unknown. Affected: yes.